The following is an entry in ClinVar:

NM_000824.5(GLRB):c.229G>C (p.Gly77Arg)

Gene: GLRB (glycine receptor beta; plus strand). Cytogenetic location: 4q32.1.
Variant type: single nucleotide variant.
Coding change: c.229G>C on transcript NM_000824.5 (MANE Select); coding-DNA position 229, G replaced by C.
Protein change: p.Gly77Arg; replaces glycine 77 with arginine.
Molecular consequence: missense variant.
Genome position (GRCh38, 1-based): chr4:157,120,662, G>C. VCF-style: chr4-157120662-G-C. GRCh37 (hg19) VCF-style: chr4-158041814-G-C.
Other names: c.229G>C, p.Gly77Arg (NM_001166060.2, NM_001166061.2); short protein forms G77R.
Identifiers: ClinVar variation 2102374 (VCV002102374.4), dbSNP rs1735782597, ClinGen allele CA358641827.

ClinVar aggregate classification (germline): Uncertain significance (1 of 4 stars; one submission).

Conditions:
Hyperekplexia 2 (HKPX2). Identifiers: Orphanet 3197, MedGen C3553291, MONDO:0013828, OMIM 614619.

gnomAD v4.1: 1 of 1,385,826 alleles (0.000072%); highest among the groups gnomAD compares: Non-Finnish European, 0.0001%; no homozygotes.

Submission:

Labcorp Genetics (formerly Invitae), Labcorp
Classification: Uncertain significance for Hyperekplexia 2. Last evaluated: 2022-03-04. Review status: criteria provided, single submitter. Criteria: Invitae Variant Classification Sherloc (09022015). Collection method: clinical testing. Allele origin: germline.
Comment: Algorithms developed to predict the effect of missense changes on protein structure and function are either unavailable or do not agree on the potential impact of this missense change (SIFT: "Deleterious"; PolyPhen-2: "Benign"; Align-GVGD: "Class C65"). Variants that disrupt the consensus splice site are a relatively common cause of aberrant splicing (PMID: 17576681, 9536098). Algorithms developed to predict the effect of sequence changes on RNA splicing suggest that this variant may disrupt the consensus splice site. In summary, the available evidence is currently insufficient to determine the role of this variant in disease. Therefore, it has been classified as a Variant of Uncertain Significance. This variant has not been reported in the literature in individuals affected with GLRB-related conditions. This sequence change replaces glycine, which is neutral and non-polar, with arginine, which is basic and polar, at codon 77 of the GLRB protein (p.Gly77Arg). This variant also falls at the last nucleotide of exon 3, which is part of the consensus splice site for this exon. This variant is not present in population databases (gnomAD no frequency).

Literature cited by the submitters: PubMed 17576681; PubMed 9536098.